The following is an entry in ClinVar:

ClinVar aggregate classification (germline): Uncertain significance. Review status: criteria provided, multiple submitters, no conflicts (2 of 4 stars). 2 submissions from 2 submitters: Uncertain significance (2). Last evaluated 2025-09-02.

Conditions:
Hereditary cancer-predisposing syndrome. Also called: Hereditary Cancer Syndrome; Hereditary neoplastic syndrome; Neoplastic Syndromes, Hereditary; Tumor predisposition. Identifiers: Orphanet 140162, MedGen C0027672, MeSH D009386, MONDO:0015356.

Submissions (2):

Ambry Genetics
Classification: Uncertain significance for Hereditary cancer-predisposing syndrome. Last evaluated: 2025-09-02. Review status: criteria provided, single submitter. Criteria: Ambry Variant Classification Scheme 2023. Collection method: clinical testing. Allele origin: germline.
Comment: The p.Y42F variant (also known as c.125A>T), located in coding exon 1 of the DICER1 gene, results from an A to T substitution at nucleotide position 125. The tyrosine at codon 42 is replaced by phenylalanine, an amino acid with highly similar properties. This amino acid position is conserved. In addition, the in silico prediction for this alteration is inconclusive. Based on the available evidence, the clinical significance of this variant remains unclear.

GeneDx
Classification: Uncertain significance. Last evaluated: 2022-11-17. Review status: criteria provided, single submitter. Criteria: GeneDx Variant Classification Process June 2021. Collection method: clinical testing. Allele origin: germline. Affected: yes.
Comment: Not observed at significant frequency in large population cohorts (gnomAD); In silico analysis supports that this missense variant does not alter protein structure/function; Has not been previously published as pathogenic or benign to our knowledge

NM_177438.3(DICER1):c.125A>T (p.Tyr42Phe)

Gene: DICER1 (dicer 1, ribonuclease III; minus strand). Cytogenetic location: 14q32.13.
Variant type: single nucleotide variant.
Coding change: c.125A>T on transcript NM_177438.3 (MANE Select); coding-DNA position 125, A replaced by T.
Protein change: p.Tyr42Phe; replaces tyrosine 42 with phenylalanine.
Molecular consequence: missense variant. On other transcripts: 5 prime UTR variant (8), non-coding transcript variant (6), intron variant (1).
Genome position (GRCh38, 1-based): chr14:95,133,334, T>A on the plus strand (A>T on the coding strand, the complement: DICER1 is on the minus strand). VCF-style: chr14-95133334-T-A. GRCh37 (hg19) VCF-style: chr14-95599671-T-A.
Other names: c.125A>T, p.Tyr42Phe (NM_001395692.1, NM_001395693.1, NM_001395694.1 and 15 more transcripts); c.-150A>T (NM_001395696.1, NM_001395698.1, NM_001395686.1 and 3 more transcripts); c.-1444A>T (NM_001395697.1); c.-130-657A>T (NM_001395687.1); c.-334A>T (NM_001395691.1); short protein forms Y42F.
Identifiers: ClinVar variation 2502703 (VCV002502703.2), dbSNP rs2543387801, ClinGen allele CA390890410.